The following is an entry in ClinVar:

ClinVar aggregate classification (germline): Uncertain significance. Review status: criteria provided, multiple submitters, no conflicts (2 of 4 stars). 2 submissions from 2 submitters: Uncertain significance (2). Last evaluated 2025-05-19.

Conditions:
Inborn genetic diseases. Identifiers: MedGen C0950123, MeSH D030342.
Short-rib thoracic dysplasia 13 with or without polydactyly (SRTD13). Identifiers: Orphanet 474, MedGen C4225378, MONDO:0014577, OMIM 616300.

Allele frequency attached by ClinVar (database versions not stated): gnomAD 0.00001.
gnomAD v4.1: 4 of 1,614,054 alleles (0.00025%); highest among the groups gnomAD compares: Admixed American, 0.0017%; no homozygotes.

Submissions (2):

Ambry Genetics
Classification: Uncertain significance for Inborn genetic diseases. Last evaluated: 2025-05-19. Review status: criteria provided, single submitter. Criteria: Ambry Variant Classification Scheme 2023. Collection method: clinical testing. Allele origin: germline.

Labcorp Genetics (formerly Invitae), Labcorp
Classification: Uncertain significance for Short-rib thoracic dysplasia 13 with or without polydactyly. Last evaluated: 2024-02-17. Review status: criteria provided, single submitter. Criteria: Invitae Variant Classification Sherloc (09022015). Collection method: clinical testing. Allele origin: germline.
Comment: This sequence change replaces threonine, which is neutral and polar, with alanine, which is neutral and non-polar, at codon 331 of the CEP120 protein (p.Thr331Ala). This variant is present in population databases (no rsID available, gnomAD 0.003%). This variant has not been reported in the literature in individuals affected with CEP120-related conditions. ClinVar contains an entry for this variant (Variation ID: 1447901). Advanced modeling of protein sequence and biophysical properties (such as structural, functional, and spatial information, amino acid conservation, physicochemical variation, residue mobility, and thermodynamic stability) performed at Invitae indicates that this missense variant is not expected to disrupt CEP120 protein function with a negative predictive value of 80%. In summary, the available evidence is currently insufficient to determine the role of this variant in disease. Therefore, it has been classified as a Variant of Uncertain Significance.

NM_001375405.1(CEP120):c.991A>G (p.Thr331Ala)

Gene: CEP120 (centrosomal protein 120; minus strand). Cytogenetic location: 5q23.2.
Variant type: single nucleotide variant.
Coding change: c.991A>G on transcript NM_001375405.1 (MANE Select); coding-DNA position 991, A replaced by G.
Protein change: p.Thr331Ala; replaces threonine 331 with alanine.
Molecular consequence: missense variant. On other transcripts: non-coding transcript variant (1).
Genome position (GRCh38, 1-based): chr5:123,391,157, T>C on the plus strand (A>G on the coding strand, the complement: CEP120 is on the minus strand). VCF-style: chr5-123391157-T-C. GRCh37 (hg19) VCF-style: chr5-122726851-T-C.
Other names: c.991A>G (NM_153223.3); c.913A>G, p.Thr305Ala (NM_001166226.2); c.991A>G, p.Thr331Ala (NM_001375406.1, NM_001375407.1, NM_153223.4); c.418A>G, p.Thr140Ala (NM_001375408.1, NM_001375409.1); short protein forms T331A, T140A, T305A.
Identifiers: ClinVar variation 1447901 (VCV001447901.7), dbSNP rs372144017, ClinGen allele CA360891763.
Genomic context (GRCh38, chr5:123,391,157, plus strand): 5'-GGCCACTACTTGCCTGGGAGTCTATGCCTTCTCTCTGCAGAGCCACAGACACTCCCACAG[T>C]TGGGGCTAGCTCCACAGGAATAGGTGCAAGCTTCTGTTTGGCTCTGTTTGGAGGGTCAAG-3'
Protein context (NP_001362334.1, residues 321-341): LAPIPVELAP[Thr331Ala]VGVSVALQRE